The following is an entry in ClinVar:

NM_003924.4(PHOX2B):c.63G>T (p.Met21Ile)

Genes: PHOX2B (paired like homeobox 2B; minus strand), PHOX2B-AS1 (PHOX2B antisense RNA 1; plus strand). Cytogenetic location: 4p13.
Variant type: single nucleotide variant.
Coding change: c.63G>T on transcript NM_003924.4 (MANE Select); coding-DNA position 63, G replaced by T.
Protein change: p.Met21Ile; replaces methionine 21 with isoleucine.
Molecular consequence: missense variant. On other transcripts: non-coding transcript variant (1).
Genome position (GRCh38, 1-based): chr4:41,748,548, C>A on the plus strand (G>T on the coding strand, the complement: PHOX2B is on the minus strand). VCF-style: chr4-41748548-C-A. GRCh37 (hg19) VCF-style: chr4-41750565-C-A.
Other names: short protein forms M21I.
Identifiers: ClinVar variation 5026556 (VCV005026556.1).
Genomic context (GRCh38, chr4:41,748,548, plus strand): 5'-GCCACTGGCCTGGCTGCAGGAACTGAAGTCAGCATAGGCTGAAGCCAGGCTCGAGGTGTC[C>A]ATCCCAGCCATACAGGACTCGTAGGCAGAGGAATTGAGGTAAGAATATTCCATTTTATAC-3'
Protein context (NP_003915.2, residues 11-31): SSAYESCMAG[Met21Ile]DTSSLASAYA

ClinVar aggregate classification (germline): Uncertain significance (1 of 4 stars; one submission).

Conditions:
Hereditary cancer-predisposing syndrome. Also called: Neoplastic Syndromes, Hereditary; Tumor predisposition; Hereditary neoplastic syndrome; Hereditary Cancer Syndrome. Identifiers: Orphanet 140162, MedGen C0027672, MeSH D009386, MONDO:0015356.

Submission:

Ambry Genetics
Classification: Uncertain significance for Hereditary cancer-predisposing syndrome. Last evaluated: 2026-07-06. Review status: criteria provided, single submitter. Criteria: Ambry Variant Classification Scheme 2023. Collection method: clinical testing. Allele origin: germline.
Comment: The p.M21I variant (also known as c.63G>T), located in coding exon 1 of the PHOX2B gene, results from a G to T substitution at nucleotide position 63. The methionine at codon 21 is replaced by isoleucine, an amino acid with highly similar properties. This amino acid position is conserved. In addition, the in silico prediction for this alteration is inconclusive. Based on the available evidence, the clinical significance of this variant remains unclear.